The following is an entry in ClinVar:

NM_001267550.2(TTN):c.102872_102878del (p.Trp34291fs)

Genes: TTN (titin; minus strand), TTN-AS1 (TTN antisense RNA 1; plus strand). Cytogenetic location: 2q31.2.
Variant type: Deletion.
Coding change: c.102872_102878del on transcript NM_001267550.2 (MANE Select); coding-DNA positions 102872 to 102878, 7 bases deleted (GGTATAA; older notation c.102872_102878delGGTATAA).
Protein change: p.Trp34291fs; shifts the reading frame from tryptophan 34291.
Molecular consequence: frameshift variant.
Genome position (GRCh38, 1-based): chr2:178,533,737-178,533,743, TTATACC deleted on the plus strand (GGTATAA on the coding strand, the reverse complement: TTN is on the minus strand). VCF-style (leftmost placement, unchanged base first): chr2-178533736-TTTATACC-T. GRCh37 (hg19) VCF-style: chr2-179398463-TTTATACC-T.
Other names: c.97949_97955del, p.Trp32650fs (NM_001256850.1); c.75677_75683del, p.Trp25226fs (NM_003319.4); c.95168_95174del, p.Trp31723fs (NM_133378.4); c.76052_76058del, p.Trp25351fs (NM_133432.3); c.76253_76259del, p.Trp25418fs (NM_133437.4); short protein forms W25226fs, W31723fs, W25351fs, W25418fs, W34291fs, W32650fs.
Identifiers: ClinVar variation 1499812 (VCV001499812.6), dbSNP rs2154135366, ClinGen allele CA2573134084.

ClinVar aggregate classification (germline): Likely pathogenic (1 of 4 stars; one submission).

Conditions:
Dilated cardiomyopathy 1G (CMD1G). Identifiers: Orphanet 154, MedGen C1858763, MONDO:0011400, OMIM 604145.
Autosomal recessive limb-girdle muscular dystrophy type 2J (LGMDR10). Also called: Limb-girdle muscular dystrophy, type 2J; MUSCULAR DYSTROPHY, LIMB-GIRDLE, AUTOSOMAL RECESSIVE 10. Identifiers: Orphanet 140922, MedGen C1837342, MONDO:0012127, OMIM 608807.

Submission:

Labcorp Genetics (formerly Invitae), Labcorp
Classification: Likely pathogenic for Dilated cardiomyopathy 1G; Autosomal recessive limb-girdle muscular dystrophy type 2J. Last evaluated: 2023-12-06. Review status: criteria provided, single submitter. Criteria: Invitae Variant Classification Sherloc (09022015). Collection method: clinical testing. Allele origin: germline.
Comment: This sequence change creates a premature translational stop signal (p.Trp34291Tyrfs*26) in the TTN gene. While this is not anticipated to result in nonsense mediated decay, it is expected to create a truncated TTN protein. This variant is not present in population databases (gnomAD no frequency). This variant has not been reported in the literature in individuals affected with TTN-related conditions. ClinVar contains an entry for this variant (Variation ID: 1499812). This variant is located in the M band of TTN (PMID: 25589632). Truncating variants in this region have been previously reported in individuals affected with autosomal recessive myopathy and muscular dystrophy (PMID: 18948003, 23975875, 24395473). Truncating variants in this region have also been identified in individuals affected with autosomal dominant dilated cardiomyopathy and/or cardio-related conditions (PMID: 27869827, 32964742). In summary, the currently available evidence indicates that the variant is pathogenic, but additional data are needed to prove that conclusively. Therefore, this variant has been classified as Likely Pathogenic.

Literature cited by the submitters: PubMed 25589632; PubMed 18948003; PubMed 23975875; PubMed 24395473; PubMed 27869827; PubMed 32964742.